The following is an entry in ClinVar:

NM_001035.3(RYR2):c.4820A>G (p.Asp1607Gly)

Gene: RYR2 (ryanodine receptor 2; plus strand). Cytogenetic location: 1q43.
Variant type: single nucleotide variant.
Coding change: c.4820A>G on transcript NM_001035.3 (MANE Select); coding-DNA position 4820, A replaced by G.
Protein change: p.Asp1607Gly; replaces aspartic acid 1607 with glycine.
Molecular consequence: missense variant.
Genome position (GRCh38, 1-based): chr1:237,610,898, A>G. VCF-style: chr1-237610898-A-G. GRCh37 (hg19) VCF-style: chr1-237774198-A-G.
Other names: short protein forms D1607G.
Identifiers: ClinVar variation 4538692 (VCV004538692.1).

ClinVar aggregate classification (germline): Uncertain significance (1 of 4 stars; one submission).

Submission:

GeneDx
Classification: Uncertain significance. Last evaluated: 2025-06-22. Review status: criteria provided, single submitter. Criteria: GeneDx Variant Classification Process June 2021. Collection method: clinical testing. Allele origin: germline. Affected: yes.
Comment: Not observed at significant frequency in large population cohorts (gnomAD); In silico analysis supports that this missense variant has a deleterious effect on protein structure/function; Has not been previously published as pathogenic or benign to our knowledge; In silico analysis suggests this variant may impact gene splicing. In the absence of RNA/functional studies, the actual effect of this sequence change is unknown.; Not located in one of the three hot-spot regions of the RYR2 gene, where the majority of pathogenic missense variants occur (PMID: 19926015); This variant is associated with the following publications: (PMID: 19926015)